The following is an entry in ClinVar:

ClinVar aggregate classification (germline): Uncertain significance (1 of 4 stars; one submission).

Conditions:
NLRP12-related disorder. Also called: NLRP12-related condition; NLRP12-related conditions.

Submission:

PreventionGenetics, part of Exact Sciences
Classification: Uncertain significance for NLRP12-related condition. Last evaluated: 2023-08-18. Review status: criteria provided, single submitter. Criteria: ACMG Guidelines, 2015. Collection method: clinical testing. Allele origin: germline.
Comment: The NLRP12 c.912C>A variant is predicted to result in the amino acid substitution p.His304Gln. To our knowledge, this variant has not been reported in the literature or in a large population database, indicating this variant is rare. Another variant at this codon p.His304Tyr has been reported in patients with immunodeficiency or autoimmunity disorders (see for example Borte et al. 2014. PubMed ID: 25064839; Rusmini et al. 2015. PubMed ID: 26386126), however it is also frequently seen in general population (MAF ~2%), which is higher than would be anticipated for a causative variant. At this time, the clinical significance of this variant (p.His304Gln) is uncertain due to the absence of conclusive functional and genetic evidence.

NM_144687.4(NLRP12):c.912C>A (p.His304Gln)

Gene: NLRP12 (NLR family pyrin domain containing 12; minus strand). Cytogenetic location: 19q13.42.
Variant type: single nucleotide variant.
Coding change: c.912C>A on transcript NM_144687.4 (MANE Select); coding-DNA position 912, C replaced by A.
Protein change: p.His304Gln; replaces histidine 304 with glutamine.
Molecular consequence: missense variant.
Genome position (GRCh38, 1-based): chr19:53,810,747, G>T on the plus strand (C>A on the coding strand, the complement: NLRP12 is on the minus strand). VCF-style: chr19-53810747-G-T. GRCh37 (hg19) VCF-style: chr19-54314001-G-T.
Other names: c.912C>A, p.His304Gln (NM_001277126.2, NM_001277129.1); short protein forms H304Q.
Identifiers: ClinVar variation 2632317 (VCV002632317.1), dbSNP rs778404060, ClinGen allele CA407415534.
Genomic context (GRCh38, chr19:53,810,747, plus strand): 5'-AAGAAGCAGCTCCGTGGGCCGTTTCTCCTCCCAGCAGAGGCACCAGGGTCCCTGAGGATC[G>T]TGGAAAGAAGGCTTGAGCTCATCGAAGCCGTCGATGATGAAAAGGAGGCGCTCGGGAACT-3'
Protein context (NP_653288.1, residues 294-314): DGFDELKPSF[His304Gln]DPQGPWCLCW